The following is an entry in ClinVar:

ClinVar aggregate classification (germline): Pathogenic (1 of 4 stars; one submission).

Conditions:
Fabry disease. Also called: Fabry's disease; ALPHA-GALACTOSIDASE A DEFICIENCY; ANDERSON-FABRY DISEASE; CERAMIDE TRIHEXOSIDASE DEFICIENCY; GLA DEFICIENCY; HEREDITARY DYSTOPIC LIPIDOSIS. Identifiers: Orphanet 324, MedGen C0002986, MONDO:0010526, OMIM 301500, HP:0001071. Disease mechanism: Fabry disease is due to inactivating mutations in the X-linked GLA gene resulting in deficiency of the enzyme Alpha Galactosidase-A., loss of function.

Submission:

Genomenon, Inc
Classification: Pathogenic for Fabry disease. Last evaluated: 2026-09-08. Review status: criteria provided, single submitter. Criteria: Genomenon Sequence Variant Interpretation Standards - Updated. Collection method: curation. Allele origin: germline. Affected: yes.
Comment: GLA p.Cys12LeufsTer107 (c.35_41del) is a frameshift variant that is predicted to introduce a premature termination codon and result in a truncated or absent protein product. This variant has been observed in at least one proband with clinical features consistent with Fabry disease (PMID:32843101). It is absent or not present at a significant frequency in gnomAD. In conclusion, we classify GLA p.Cys12LeufsTer107 (c.35_41del) as a pathogenic variant.

Literature cited by the submitters: PubMed 32843101.

NM_000169.3(GLA):c.35_41del (p.Cys12fs)

Genes: GLA (galactosidase alpha; minus strand), RPL36A-HNRNPH2 (RPL36A-HNRNPH2 readthrough; plus strand). Cytogenetic location: Xq22.1.
Variant type: Deletion.
Coding change: c.35_41del on transcript NM_000169.3 (MANE Select); coding-DNA positions 35 to 41, 7 bases deleted (GCGCGCT; older notation c.35_41delGCGCGCT).
Protein change: p.Cys12fs; shifts the reading frame from cysteine 12.
Molecular consequence: frameshift variant. On other transcripts: non-coding transcript variant (3), intron variant (2).
Genome position (GRCh38, 1-based): chrX:101,407,863-101,407,869, AGCGCGC deleted on the plus strand (GCGCGCT on the coding strand, the reverse complement: GLA is on the minus strand); deleting any 7 consecutive bases within chrX:101,407,863-101,407,872 gives the same sequence; the c. name uses the placement nearest the transcript's 3' end. VCF-style (leftmost placement, unchanged base first): chrX-101407862-AAGCGCGC-A. GRCh37 (hg19) VCF-style: chrX-100662850-AAGCGCGC-A.
Other names: c.35_41del, p.Cys12fs (NM_001406747.1, NM_001406748.1, NM_001406749.1); c.301-4070_301-4064del (NM_001199973.2); c.178-4070_178-4064del (NM_001199974.2); short protein forms C12fs.
Identifiers: ClinVar variation 4974882 (VCV004974882.1).